The following is an entry in ClinVar:

NM_000053.4(ATP7B):c.3465G>T (p.Arg1155Ser)

Gene: ATP7B (ATPase copper transporting beta; minus strand). Cytogenetic location: 13q14.3.
Variant type: single nucleotide variant.
Coding change: c.3465G>T on transcript NM_000053.4 (MANE Select); coding-DNA position 3465, G replaced by T.
Protein change: p.Arg1155Ser; replaces arginine 1155 with serine.
Molecular consequence: missense variant.
Genome position (GRCh38, 1-based): chr13:51,941,172, C>A on the plus strand (G>T on the coding strand, the complement: ATP7B is on the minus strand). VCF-style: chr13-51941172-C-A. GRCh37 (hg19) VCF-style: chr13-52515308-C-A.
Other names: c.2844G>T, p.Arg948Ser (NM_001005918.3); c.3132G>T, p.Arg1044Ser (NM_001243182.2); c.3231G>T, p.Arg1077Ser (NM_001330578.2); c.3213G>T, p.Arg1071Ser (NM_001330579.2); short protein forms R1044S, R1071S, R1077S, R1155S, R948S.
Identifiers: ClinVar variation 1151684 (VCV001151684.10), dbSNP rs201985951, ClinGen allele CA6988680.

ClinVar aggregate classification (germline): Conflicting classifications of pathogenicity. Review status: criteria provided, conflicting classifications (1 of 4 stars). 3 submissions from 3 submitters: Uncertain significance (2); Likely benign (1). Last evaluated 2025-12-22.

Conditions:
Wilson disease (WND). Also called: Wilson's disease. Identifiers: Orphanet 905, MedGen C0019202, MONDO:0010200, OMIM 277900. Disease mechanism: loss of function.

Allele frequency attached by ClinVar (database versions not stated): TOPMed 0.00002; gnomAD exomes 0.00019 and 0.00032; ExAC 0.00023; gnomAD 0.00032 and 0.00036.

Submissions (3):

Labcorp Genetics (formerly Invitae), Labcorp
Classification: Likely benign for Wilson disease. Last evaluated: 2025-12-22. Review status: criteria provided, single submitter. Criteria: Invitae Variant Classification Sherloc (09022015). Collection method: clinical testing. Allele origin: germline.

Color Diagnostics, LLC DBA Color Health
Classification: Uncertain significance for Wilson disease. Last evaluated: 2025-07-29. Review status: criteria provided, single submitter. Criteria: ACMG Guidelines, 2015. Collection method: clinical testing. Allele origin: germline.
Comment: This missense variant replaces arginine with serine at codon 1155 of the ATP7B protein. Computational prediction is inconclusive regarding the impact of this variant on protein structure and function. To our knowledge, functional studies have not been reported for this variant. This variant has not been reported in individuals affected with Wilson disease in the literature. This variant has been identified in 102/280920 chromosomes in the general population by the Genome Aggregation Database (gnomAD). The available evidence is insufficient to determine the role of this variant in disease conclusively. Therefore, this variant is classified as a Variant of Uncertain Significance.

All of Us Research Program, National Institutes of Health
Classification: Uncertain significance for Wilson disease. Last evaluated: 2024-02-05. Review status: criteria provided, single submitter. Criteria: ACMG Guidelines, 2015. Collection method: clinical testing. Allele origin: germline. Inheritance: Autosomal recessive inheritance. Observed: 10 variant alleles, 10 heterozygotes.
Comment: This missense variant replaces arginine with serine at codon 1155 of the ATP7B protein. Computational prediction is inconclusive regarding the impact of this variant on protein structure and function (internally defined REVEL score threshold 0.5 < inconclusive < 0.7, PMID: 27666373). To our knowledge, functional studies have not been reported for this variant. This variant has not been reported in individuals affected with Wilson disease in the literature. This variant has been identified in 102/280920 chromosomes in the general population by the Genome Aggregation Database (gnomAD). The available evidence is insufficient to determine the role of this variant in disease conclusively. Therefore, this variant is classified as a Variant of Uncertain Significance.

This study involves interpretation of variants in research participants for the purpose of population health screening. Participant phenotype was not available at the time of variant classification. Additional details can be found in publication PMID: 35346344, PMCID: PMC8962531